The following is an entry in ClinVar:

NM_004606.5(TAF1):c.4162T>C (p.Ser1388Pro)

Gene: TAF1 (TATA-box binding protein associated factor 1; plus strand). Cytogenetic location: Xq13.1.
Variant type: single nucleotide variant.
Coding change: c.4162T>C on transcript NM_004606.5 (MANE Select); coding-DNA position 4162, T replaced by C.
Protein change: p.Ser1388Pro; replaces serine 1388 with proline.
Molecular consequence: missense variant. On other transcripts: non-coding transcript variant (9).
Genome position (GRCh38, 1-based): chrX:71,407,628, T>C. VCF-style: chrX-71407628-T-C. GRCh37 (hg19) VCF-style: chrX-70627478-T-C.
Other names: c.4162T>C, p.Ser1388Pro (NM_001286074.2); c.4099T>C, p.Ser1367Pro (NM_138923.4); short protein forms S1367P, S1388P, S1408P.
Identifiers: ClinVar variation 1706374 (VCV001706374.2), dbSNP rs2521105843, ClinGen allele CA413536481.

ClinVar aggregate classification (germline): Uncertain significance (1 of 4 stars; one submission).

Submission:

GeneDx
Classification: Uncertain significance. Last evaluated: 2022-03-17. Review status: criteria provided, single submitter. Criteria: GeneDx Variant Classification Process June 2021. Collection method: clinical testing. Allele origin: germline. Affected: yes.
Comment: Not observed at significant frequency in large population cohorts (gnomAD); In silico analysis supports that this missense variant has a deleterious effect on protein structure/function; Has not been previously published as pathogenic or benign to our knowledge